The following is an entry in ClinVar:

ClinVar aggregate classification (germline): Benign. Review status: criteria provided, multiple submitters, no conflicts (2 of 4 stars). 5 submissions from 5 submitters: Benign (4). 1 of the submissions does not count toward it. Last evaluated 2026-02-02.

Conditions:
SLC25A42-related disorder. Also called: SLC25A42-related condition.

Allele frequency attached by ClinVar (database versions not stated): 1000 Genomes Project 0.04034; 1000 Genomes Project 30x 0.04185; ESP Exome Variant Server 0.06289; ExAC 0.06357.
gnomAD v4.1: 122,919 of 1,613,452 alleles (7.6%); highest among the groups gnomAD compares: Middle Eastern, 9.8%; 5,183 homozygotes.

Submissions (5):

Labcorp Genetics (formerly Invitae), Labcorp
Classification: Benign. Last evaluated: 2026-02-02. Review status: criteria provided, single submitter. Criteria: Invitae Variant Classification Sherloc (09022015). Collection method: clinical testing. Allele origin: germline.

Mayo Clinic Laboratories, Mayo Clinic
Classification: Benign. Last evaluated: 2022-10-30. Review status: criteria provided, single submitter. Criteria: ACMG Guidelines, 2015. Collection method: clinical testing. Allele origin: germline. Observed: 113 variant alleles.

GeneDx
Classification: Benign. Last evaluated: 2021-05-04. Review status: criteria provided, single submitter. Criteria: GeneDx Variant Classification Process June 2021. Collection method: clinical testing. Allele origin: germline. Affected: yes.

Breakthrough Genomics
Classification: Benign. Review status: criteria provided, single submitter. Criteria: ACMG Guidelines, 2015. Collection method: not provided. Allele origin: germline. Inheritance: Autosomal recessive inheritance. Affected: yes.

PreventionGenetics, part of Exact Sciences
Classification: Benign for SLC25A42-related condition. Last evaluated: 2019-10-31. Review status: no assertion criteria provided. Collection method: clinical testing. Allele origin: germline. Not counted in ClinVar's aggregate classification.
Comment: This variant is classified as benign based on ACMG/AMP sequence variant interpretation guidelines (Richards et al. 2015 PMID: 25741868, with internal and published modifications).

NM_178526.5(SLC25A42):c.150G>A (p.Ala50=)

Gene: SLC25A42 (solute carrier family 25 member 42; plus strand). Cytogenetic location: 19p13.11.
Variant type: single nucleotide variant.
Coding change: c.150G>A on transcript NM_178526.5 (MANE Select); coding-DNA position 150, G replaced by A.
Protein change: p.Ala50=; no amino-acid change (alanine 50 retained).
Molecular consequence: synonymous variant.
Genome position (GRCh38, 1-based): chr19:19,101,849, G>A. VCF-style: chr19-19101849-G-A. GRCh37 (hg19) VCF-style: chr19-19212658-G-A.
Other names: p.Ala50=; c.150G>A, p.Ala50= (NM_001321544.2).
Identifiers: ClinVar variation 1166482 (VCV001166482.15), dbSNP rs56144126, ClinGen allele CA9321371.